The following is an entry in ClinVar:

NM_001170629.2(CHD8):c.5947_5951dup (p.Leu1985fs)

Gene: CHD8 (chromodomain helicase DNA binding protein 8; minus strand). Cytogenetic location: 14q11.2.
Variant type: Duplication.
Coding change: c.5947_5951dup on transcript NM_001170629.2 (MANE Select); coding-DNA positions 5947 to 5951, 5 bases duplicated (CCACT; older notation c.5947_5951dupCCACT).
Protein change: p.Leu1985fs; shifts the reading frame from leucine 1985.
Molecular consequence: frameshift variant.
Genome position (GRCh38, 1-based): chr14:21,393,844-21,393,848, AGTGG duplicated on the plus strand (CCACT on the coding strand, the reverse complement: CHD8 is on the minus strand); duplicating any 5 consecutive bases within chr14:21,393,844-21,393,851 gives the same sequence; the c. name uses the placement nearest the transcript's 3' end. VCF-style (leftmost placement, unchanged base first): chr14-21393843-C-CAGTGG. GRCh37 (hg19) VCF-style: chr14-21862002-C-CAGTGG.
Other names: c.5110_5114dup, p.Leu1706fs (NM_020920.4); short protein forms L1985fs, L1706fs.
Identifiers: ClinVar variation 1453599 (VCV001453599.6), dbSNP rs2139447449, ClinGen allele CA2573149735.

ClinVar aggregate classification (germline): Pathogenic (1 of 4 stars; one submission).

Submission:

Labcorp Genetics (formerly Invitae), Labcorp
Classification: Pathogenic. Last evaluated: 2021-05-26. Review status: criteria provided, single submitter. Criteria: Invitae Variant Classification Sherloc (09022015). Collection method: clinical testing. Allele origin: germline.
Comment: For these reasons, this variant has been classified as Pathogenic. This variant has not been reported in the literature in individuals with CHD8-related conditions. This variant is not present in population databases (ExAC no frequency). This sequence change creates a premature translational stop signal (p.Leu1985Hisfs*40) in the CHD8 gene. It is expected to result in an absent or disrupted protein product. Loss-of-function variants in CHD8 are known to be pathogenic (PMID: 24998929, 26789910).

Literature cited by the submitters: PubMed 24998929; PubMed 26789910.